The following is an entry in ClinVar:

ClinVar aggregate classification (germline): Pathogenic/Likely pathogenic. Review status: criteria provided, multiple submitters, no conflicts (2 of 4 stars). 5 submissions from 5 submitters: Pathogenic (1); Likely pathogenic (4). Last evaluated 2026-06-12.

Conditions:
Developmental and epileptic encephalopathy 119. Identifiers: MedGen C6065899, MONDO:1060177, OMIM 621304.
RNU2-2 related disorder.
RNU2-2 related condition.

Submissions (5):

Undiagnosed Diseases Network, NIH
Classification: Likely pathogenic for RNU2-2 related condition. Last evaluated: 2026-06-12. Review status: criteria provided, single submitter. Criteria: ACMG Guidelines, 2015. Collection method: clinical testing. Allele origin: maternal. Inheritance: Autosomal recessive inheritance. Affected: yes. Observed: 1 variant allele, 1 compound heterozygote. Study: Undiagnosed Diseases Network, UDN.

CeGaT Center for Human Genetics Tuebingen
Classification: Pathogenic. Last evaluated: 2026-06-01. Review status: criteria provided, single submitter. Criteria: CeGaT Center For Human Genetics Tuebingen Variant Classification Criteria Version 2. Collection method: clinical testing. Allele origin: germline. Affected: yes. Observed: 1 variant allele.
Comment: RNU2-2: PM3:Strong, PM1, PM2, PP1:Moderate

Institute of Medical Genetics and Applied Genomics, University Hospital Tübingen
Classification: Likely pathogenic for Developmental and epileptic encephalopathy 119. Last evaluated: 2026-04-09. Review status: criteria provided, single submitter. Criteria: ACMG Guidelines, 2015. Collection method: clinical testing. Allele origin: germline. Inheritance: Autosomal recessive inheritance. Affected: yes.

Institute for Human Genetics, University Hospital Essen
Classification: Likely pathogenic for RNU2-2 related disorder. Last evaluated: 2025-11-27. Review status: criteria provided, single submitter. Criteria: Submitter's publication. Collection method: clinical testing. Allele origin: inherited. Inheritance: Autosomal recessive inheritance. Affected: yes. Observed: 5 variant alleles, 1 homozygote.
Comment: PM1, PS4_mod, PM3, PP1_mod (criteria rationale detailed in Leitão et al. Nature Genetics 2026)

Groupe Hospitalier Pitie Salpetriere, Uf Genomique Du Developpement, Assistance Publique Hopitaux de Paris Sorbonne Université
Classification: Likely pathogenic for Developmental and epileptic encephalopathy 119. Review status: criteria provided, single submitter. Criteria: ACMG Guidelines, 2015. Collection method: clinical testing. Allele origin: germline. Affected: yes.
Comment: This variant is moderate evidence that the prevalence of the variant in affected individuals is increased compared with controls (PS4_Mod), located in a mutational hot spot and or critical functional domain without benign variation (PM1), for recessive disorders detected in trans with a pathogenic variant (PM3) and moderate cosegregation with disease in multiple affected family members (PP1_Mod)

NR_199791.1(RNU2-2):n.107_118del

Genes: RNU2-2 (RNA, U2 small nuclear 2; minus strand), WDR74 (WD repeat domain 74; minus strand). Cytogenetic location: 11q12.3.
Variant type: Deletion.
Molecular consequence: non-coding transcript variant (on NR_199791.1). On other transcripts: 5 prime UTR variant (1).
Genome position: GRCh38 VCF-style: chr11-62841691-CCATCTCCTATTT-C. GRCh37 (hg19) VCF-style: chr11-62609163-CCATCTCCTATTT-C.
Other names: c.-432_-421del (NM_001369451.1).
Identifiers: ClinVar variation 4540507 (VCV004540507.4).